The following is an entry in ClinVar:

NM_004239.4(TRIP11):c.3728A>G (p.Gln1243Arg)

Gene: TRIP11 (thyroid hormone receptor interactor 11; minus strand). Cytogenetic location: 14q32.12.
Variant type: single nucleotide variant.
Coding change: c.3728A>G on transcript NM_004239.4 (MANE Select); coding-DNA position 3728, A replaced by G.
Protein change: p.Gln1243Arg; replaces glutamine 1243 with arginine.
Molecular consequence: missense variant.
Genome position (GRCh38, 1-based): chr14:92,004,248, T>C on the plus strand (A>G on the coding strand, the complement: TRIP11 is on the minus strand). VCF-style: chr14-92004248-T-C. GRCh37 (hg19) VCF-style: chr14-92470592-T-C.
Other names: c.3725A>G, p.Gln1242Arg (NM_001321851.1); short protein forms Q1243R, Q1242R.
Identifiers: ClinVar variation 1900909 (VCV001900909.2), dbSNP rs766182191, ClinGen allele CA7313584.

ClinVar aggregate classification (germline): Uncertain significance (1 of 4 stars; one submission).

Conditions:
Achondrogenesis, type IA (ACG1A). Identifiers: Orphanet 932, Orphanet 93299, MedGen C0265273, MONDO:0008701, OMIM 200600.

Allele frequency attached by ClinVar (database versions not stated): TOPMed below 0.00001; ExAC 0.00001; gnomAD 0.00001; gnomAD exomes 0.00001.
gnomAD v4.1: 4 of 1,614,040 alleles (0.00025%); highest among the groups gnomAD compares: Admixed American, 0.0067%; no homozygotes.

Submission:

Labcorp Genetics (formerly Invitae), Labcorp
Classification: Uncertain significance for Achondrogenesis, type IA. Last evaluated: 2022-08-06. Review status: criteria provided, single submitter. Criteria: Invitae Variant Classification Sherloc (09022015). Collection method: clinical testing. Allele origin: germline.
Comment: This sequence change replaces glutamine, which is neutral and polar, with arginine, which is basic and polar, at codon 1243 of the TRIP11 protein (p.Gln1243Arg). This variant is present in population databases (rs766182191, gnomAD 0.009%). This variant has not been reported in the literature in individuals affected with TRIP11-related conditions. Algorithms developed to predict the effect of missense changes on protein structure and function are either unavailable or do not agree on the potential impact of this missense change (SIFT: "Not Available"; PolyPhen-2: "Probably Damaging"; Align-GVGD: "Not Available"). In summary, the available evidence is currently insufficient to determine the role of this variant in disease. Therefore, it has been classified as a Variant of Uncertain Significance.